The following is an entry in ClinVar:

NM_213720.3(CHCHD10):c.157G>T (p.Ala53Ser)

Gene: CHCHD10 (coiled-coil-helix-coiled-coil-helix domain containing 10; minus strand). Cytogenetic location: 22q11.23.
Variant type: single nucleotide variant.
Coding change: c.157G>T on transcript NM_213720.3 (MANE Select); coding-DNA position 157, G replaced by T.
Protein change: p.Ala53Ser; replaces alanine 53 with serine.
Molecular consequence: missense variant. On other transcripts: non-coding transcript variant (1).
Genome position (GRCh38, 1-based): chr22:23,767,478, C>A on the plus strand (G>T on the coding strand, the complement: CHCHD10 is on the minus strand). VCF-style: chr22-23767478-C-A. GRCh37 (hg19) VCF-style: chr22-24109665-C-A.
Other names: c.157G>T, p.Ala53Ser (NM_001301339.2); short protein forms A53S.
Identifiers: ClinVar variation 1964326 (VCV001964326.5), dbSNP rs1356934777, ClinGen allele CA410916427.

ClinVar aggregate classification (germline): Uncertain significance (1 of 4 stars; one submission).

Conditions:
Lower motor neuron syndrome with late-adult onset (SMAJ). Also called: Late-Onset Spinal Motor Neuronopathy (SMAJ); Spinal muscular atrophy, Jokela type. Identifiers: Orphanet 276435, MedGen C3554398, MONDO:0014025, OMIM 615048.
Frontotemporal dementia and/or amyotrophic lateral sclerosis 2. Also called: FTDALS2. Identifiers: Orphanet 275872, MedGen C4014648, MONDO:0014395, OMIM 615911.
Autosomal dominant mitochondrial myopathy with exercise intolerance (IMMD). Also called: Myopathy, isolated mitochondrial, autosomal dominant. Identifiers: Orphanet 457050, MedGen C4015513, MONDO:0014532, OMIM 616209.

Allele frequency attached by ClinVar (database versions not stated): gnomAD exomes below 0.00001.

Submission:

Labcorp Genetics (formerly Invitae), Labcorp
Classification: Uncertain significance for Lower motor neuron syndrome with late-adult onset; Frontotemporal dementia and/or amyotrophic lateral sclerosis 2; Autosomal dominant mitochondrial myopathy with exercise intolerance. Last evaluated: 2021-12-11. Review status: criteria provided, single submitter. Criteria: Invitae Variant Classification Sherloc (09022015). Collection method: clinical testing. Allele origin: germline.
Comment: Algorithms developed to predict the effect of missense changes on protein structure and function are either unavailable or do not agree on the potential impact of this missense change (SIFT: "Tolerated"; PolyPhen-2: "Probably Damaging"; Align-GVGD: "Class C0"). This variant has not been reported in the literature in individuals affected with CHCHD10-related conditions. This variant is not present in population databases (gnomAD no frequency). This sequence change replaces alanine, which is neutral and non-polar, with serine, which is neutral and polar, at codon 53 of the CHCHD10 protein (p.Ala53Ser). In summary, the available evidence is currently insufficient to determine the role of this variant in disease. Therefore, it has been classified as a Variant of Uncertain Significance.